The following is an entry in ClinVar:

ClinVar aggregate classification (germline): Conflicting classifications of pathogenicity. Review status: criteria provided, conflicting classifications (1 of 4 stars). 3 submissions from 3 submitters: Uncertain significance (2); Likely benign (1). Last evaluated 2023-08-15.

Conditions:
Marfan syndrome (MFS). Also called: Marfan syndrome type 1; Marfan's syndrome; FBN1-Related Marfan Syndrome; MARFAN SYNDROME, TYPE I; Marfan syndrome, classic. Identifiers: Orphanet 284963, Orphanet 558, MedGen C0024796, MONDO:0007947, OMIM 154700.
Familial thoracic aortic aneurysm and aortic dissection (TAAD). Also called: Thoracic aortic aneurysms and dissections. Identifiers: Orphanet 91387, MedGen C4707243, MONDO:0019625.

Allele frequency attached by ClinVar (database versions not stated): gnomAD exomes below 0.00001; TOPMed below 0.00001.
gnomAD v4.1: 2 of 1,614,082 alleles (0.00012%); highest among the groups gnomAD compares: Admixed American, 0.0017%; no homozygotes.

Submissions (3):

All of Us Research Program, National Institutes of Health
Classification: Uncertain significance for Marfan syndrome. Last evaluated: 2023-08-15. Review status: criteria provided, single submitter. Criteria: ACMG Guidelines, 2015. Collection method: clinical testing. Allele origin: germline. Inheritance: Autosomal dominant inheritance. Observed: 2 variant alleles, 2 heterozygotes.
Comment: This study involves interpretation of variants in research participants for the purpose of population health screening. Participant phenotype was not available at the time of variant classification. Additional details can be found in publication PMID: 35346344, PMCID: PMC8962531

Blueprint Genetics
Classification: Uncertain significance. Last evaluated: 2023-08-15. Review status: criteria provided, single submitter. Criteria: ACMG Guidelines, 2015. Collection method: clinical testing. Allele origin: germline.

Labcorp Genetics (formerly Invitae), Labcorp
Classification: Likely benign for Marfan syndrome; Familial thoracic aortic aneurysm and aortic dissection. Last evaluated: 2022-08-23. Review status: criteria provided, single submitter. Criteria: Invitae Variant Classification Sherloc (09022015). Collection method: clinical testing. Allele origin: germline.

NM_000138.5(FBN1):c.8500A>G (p.Thr2834Ala)

Gene: FBN1 (fibrillin 1; minus strand). Cytogenetic location: 15q21.1.
Variant type: single nucleotide variant.
Coding change: c.8500A>G on transcript NM_000138.5 (MANE Select); coding-DNA position 8500, A replaced by G.
Protein change: p.Thr2834Ala; replaces threonine 2834 with alanine.
Molecular consequence: missense variant.
Genome position (GRCh38, 1-based): chr15:48,411,106, T>C on the plus strand (A>G on the coding strand, the complement: FBN1 is on the minus strand). VCF-style: chr15-48411106-T-C. GRCh37 (hg19) VCF-style: chr15-48703303-T-C.
Other names: short protein forms T2834A.
Identifiers: ClinVar variation 1378991 (VCV001378991.8), dbSNP rs1284038548, ClinGen allele CA392318789.